The following is an entry in ClinVar:

ClinVar aggregate classification (germline): Uncertain significance (1 of 4 stars; one submission).

Allele frequency attached by ClinVar (database versions not stated): gnomAD exomes below 0.00001; gnomAD 0.00001; TOPMed 0.00001.
gnomAD v4.1: 2 of 1,608,388 alleles (0.00012%); highest among the groups gnomAD compares: African/African-American, 0.0013%; no homozygotes.

Submission:

Labcorp Genetics (formerly Invitae), Labcorp
Classification: Uncertain significance. Last evaluated: 2025-07-19. Review status: criteria provided, single submitter. Criteria: Invitae Variant Classification Sherloc (09022015). Collection method: clinical testing. Allele origin: germline.
Comment: This sequence change falls in intron 5 of the ADIPOR1 gene. It does not directly change the encoded amino acid sequence of the ADIPOR1 protein. It affects a nucleotide within the consensus splice site. This variant is present in population databases (no rsID available, gnomAD 0.007%). This variant has not been reported in the literature in individuals affected with ADIPOR1-related conditions. ClinVar contains an entry for this variant (Variation ID: 1516117). Variants that disrupt the consensus splice site are a relatively common cause of aberrant splicing (PMID: 17576681, 9536098). Algorithms developed to predict the effect of sequence changes on RNA splicing suggest that this variant may disrupt the consensus splice site. In summary, the available evidence is currently insufficient to determine the role of this variant in disease. Therefore, it has been classified as a Variant of Uncertain Significance.

Literature cited by the submitters: PubMed 17576681; PubMed 9536098.

NM_015999.6(ADIPOR1):c.617+6T>C

Gene: ADIPOR1 (adiponectin receptor 1; minus strand). Cytogenetic location: 1q32.1.
Variant type: single nucleotide variant.
Coding change: c.617+6T>C on transcript NM_015999.6 (MANE Select); 6 bases into the intron after coding-DNA position 617, T replaced by C.
Molecular consequence: intron variant.
Genome position (GRCh38, 1-based): chr1:202,944,977, A>G on the plus strand (T>C on the coding strand, the complement: ADIPOR1 is on the minus strand). VCF-style: chr1-202944977-A-G. GRCh37 (hg19) VCF-style: chr1-202914105-A-G.
Other names: c.617+6T>C (NM_001290629.1, NM_001290557.1, NM_001290553.2).
Identifiers: ClinVar variation 1516117 (VCV001516117.6), dbSNP rs1253562208, ClinGen allele CA528155613.